The following is an entry in ClinVar:

NM_000169.3(GLA):c.640C>G (p.Pro214Ala)

Genes: GLA (galactosidase alpha; minus strand), RPL36A-HNRNPH2 (RPL36A-HNRNPH2 readthrough; plus strand). Cytogenetic location: Xq22.1.
Variant type: single nucleotide variant.
Coding change: c.640C>G on transcript NM_000169.3 (MANE Select); coding-DNA position 640, C replaced by G.
Protein change: p.Pro214Ala; replaces proline 214 with alanine.
Molecular consequence: missense variant. On other transcripts: non-coding transcript variant (3), intron variant (2).
Genome position (GRCh38, 1-based): chrX:101,398,946, G>C on the plus strand (C>G on the coding strand, the complement: GLA is on the minus strand). VCF-style: chrX-101398946-G-C. GRCh37 (hg19) VCF-style: chrX-100653934-G-C.
Other names: c.763C>G, p.Pro255Ala (NM_001406747.1); c.640C>G, p.Pro214Ala (NM_001406748.1); c.300+3489G>C (NM_001199973.2); c.177+7124G>C (NM_001199974.2); short protein forms P214A, P255A.
Identifiers: ClinVar variation 4087446 (VCV004087446.2).
Genomic context (GRCh38, chrX:101,398,946, plus strand): 5'-CATCAATGTCAGCAAAATTTCGCCAGTGATTGCAGTACTGTCGGATTTCTGTATAATTGG[G>C]CTGTGAAAACAGATATGACTCTTCTGTTTACTTTCTACTAACATCCTTGTGAGATGAAAA-3'
Protein context (NP_000160.1, residues 204-224): WPLYMWPFQK[Pro214Ala]NYTEIRQYCN

ClinVar aggregate classification (germline): Uncertain significance (1 of 4 stars; one submission).

Conditions:
Fabry disease. Also called: ALPHA-GALACTOSIDASE A DEFICIENCY; ANDERSON-FABRY DISEASE; CERAMIDE TRIHEXOSIDASE DEFICIENCY; GLA DEFICIENCY; HEREDITARY DYSTOPIC LIPIDOSIS; Angiokeratoma corporis diffusum. Identifiers: Orphanet 324, MedGen C0002986, MONDO:0010526, OMIM 301500, HP:0001071. Disease mechanism: Fabry disease is due to inactivating mutations in the X-linked GLA gene resulting in deficiency of the enzyme Alpha Galactosidase-A., loss of function.

Submission:

Genomenon, Inc
Classification: Uncertain significance for Fabry disease. Last evaluated: 2026-09-08. Review status: criteria provided, single submitter. Criteria: Genomenon Sequence Variant Interpretation Standards - Updated. Collection method: curation. Allele origin: germline. Affected: no.
Comment: GLA p.Pro214Ala (c.640C>G) is a missense variant that changes the amino acid at codon 214 from Proline to Alanine. This variant has been reported in the published literature (PMID:32023956). It is absent or not present at a significant frequency in gnomAD. In silico models predict that this variant is possibly or probably damaging. In conclusion, we classify GLA p.Pro214Ala (c.640C>G) as a variant of uncertain significance.

Literature cited by the submitters: PubMed 32023956.